The following is an entry in ClinVar:

NM_024665.7(TBL1XR1):c.205-3C>T

Gene: TBL1XR1 (TBL1X/Y related 1; minus strand). Cytogenetic location: 3q26.32.
Variant type: single nucleotide variant.
Coding change: c.205-3C>T on transcript NM_024665.7 (MANE Select); 3 bases into the intron before coding-DNA position 205, C replaced by T.
Molecular consequence: intron variant.
Genome position (GRCh38, 1-based): chr3:177,051,729, G>A on the plus strand (C>T on the coding strand, the complement: TBL1XR1 is on the minus strand). VCF-style: chr3-177051729-G-A. GRCh37 (hg19) VCF-style: chr3-176769517-G-A.
Other names: c.205-3C>T (NM_001374327.1, NM_001321194.3, NM_001321193.3 and 2 more transcripts); c.-57-3C>T (NM_001374330.1, NM_001321195.3).
Identifiers: ClinVar variation 1436454 (VCV001436454.7), dbSNP rs1320026361, ClinGen allele CA1422669637.
Genomic context (GRCh38, chr3:177,051,729, plus strand): 5'-TTACGGCATCTATCAGGGACAGAGACTCTATTGGTCGACCATCAAACAAGGTACCATCCT[G>A]GATTTGGAAAATTGTGAGAGAAGAAAAATCAAAGGCAATATTTAAAGTTATTTGTATTTA-3'

ClinVar aggregate classification (germline): Uncertain significance (1 of 4 stars; one submission).

Conditions:
Pierpont syndrome (PRPTS). Identifiers: Orphanet 487825, MedGen C1865644, MONDO:0011213, OMIM 602342.

Allele frequency attached by ClinVar (database versions not stated): gnomAD exomes 0.00001; TOPMed 0.00001.
gnomAD v4.1: 18 of 1,528,218 alleles (0.0012%); highest among the groups gnomAD compares: Non-Finnish European, 0.0016%; no homozygotes.

Submission:

Labcorp Genetics (formerly Invitae), Labcorp
Classification: Uncertain significance for Pierpont syndrome. Last evaluated: 2023-05-05. Review status: criteria provided, single submitter. Criteria: Invitae Variant Classification Sherloc (09022015). Collection method: clinical testing. Allele origin: germline.
Comment: In summary, the available evidence is currently insufficient to determine the role of this variant in disease. Therefore, it has been classified as a Variant of Uncertain Significance. Variants that disrupt the consensus splice site are a relatively common cause of aberrant splicing (PMID: 17576681, 9536098). Algorithms developed to predict the effect of sequence changes on RNA splicing suggest that this variant is not likely to affect RNA splicing. ClinVar contains an entry for this variant (Variation ID: 1436454). This variant has not been reported in the literature in individuals affected with TBL1XR1-related conditions. This variant is not present in population databases (gnomAD no frequency). This sequence change falls in intron 4 of the TBL1XR1 gene. It does not directly change the encoded amino acid sequence of the TBL1XR1 protein. It affects a nucleotide within the consensus splice site.

Literature cited by the submitters: PubMed 17576681; PubMed 9536098.